The following is an entry in ClinVar:

NM_001267727.2(ARSG):c.583T>A (p.Cys195Ser)

Gene: ARSG (arylsulfatase G; plus strand). Cytogenetic location: 17q24.2.
Variant type: single nucleotide variant.
Coding change: c.583T>A on transcript NM_001267727.2 (MANE Select); coding-DNA position 583, T replaced by A.
Protein change: p.Cys195Ser; replaces cysteine 195 with serine.
Molecular consequence: missense variant.
Genome position (GRCh38, 1-based): chr17:68,356,683, T>A. VCF-style: chr17-68356683-T-A. GRCh37 (hg19) VCF-style: chr17-66352824-T-A.
Other names: c.583T>A, p.Cys195Ser (NM_001352899.2, NM_001352900.2, NM_001352901.2 and 8 more transcripts); c.535T>A, p.Cys179Ser (NM_001352909.2); short protein forms C195S, C179S.
Identifiers: ClinVar variation 2059076 (VCV002059076.4), dbSNP rs1485912402, ClinGen allele CA400743103.

ClinVar aggregate classification (germline): Uncertain significance (1 of 4 stars; one submission).

Submission:

Labcorp Genetics (formerly Invitae), Labcorp
Classification: Uncertain significance. Last evaluated: 2021-12-24. Review status: criteria provided, single submitter. Criteria: Invitae Variant Classification Sherloc (09022015). Collection method: clinical testing. Allele origin: germline.
Comment: This sequence change replaces cysteine, which is neutral and slightly polar, with serine, which is neutral and polar, at codon 195 of the ARSG protein (p.Cys195Ser). This variant is not present in population databases (gnomAD no frequency). This variant has not been reported in the literature in individuals affected with ARSG-related conditions. Algorithms developed to predict the effect of missense changes on protein structure and function are either unavailable or do not agree on the potential impact of this missense change (SIFT: "Tolerated"; PolyPhen-2: "Possibly Damaging"; Align-GVGD: "Class C0"). In summary, the available evidence is currently insufficient to determine the role of this variant in disease. Therefore, it has been classified as a Variant of Uncertain Significance.